The following is an entry in ClinVar:

ClinVar aggregate classification (germline): Uncertain significance. Review status: criteria provided, multiple submitters, no conflicts (2 of 4 stars). 2 submissions from 2 submitters: Uncertain significance (2). Last evaluated 2025-04-03.

Conditions:
Inborn genetic diseases. Identifiers: MedGen C0950123, MeSH D030342.

Allele frequency attached by ClinVar (database versions not stated): ExAC 0.00002; gnomAD exomes 0.00003; gnomAD 0.00005; TOPMed 0.00006.
gnomAD v4.1: 54 of 1,612,470 alleles (0.0033%); highest among the groups gnomAD compares: Admixed American, 0.005%; no homozygotes.

Submissions (2):

Ambry Genetics
Classification: Uncertain significance for Inborn genetic diseases. Last evaluated: 2025-04-03. Review status: criteria provided, single submitter. Criteria: Ambry Variant Classification Scheme 2023. Collection method: clinical testing. Allele origin: germline.

Labcorp Genetics (formerly Invitae), Labcorp
Classification: Uncertain significance. Last evaluated: 2022-01-21. Review status: criteria provided, single submitter. Criteria: Invitae Variant Classification Sherloc (09022015). Collection method: clinical testing. Allele origin: germline.
Comment: This sequence change replaces arginine, which is basic and polar, with cysteine, which is neutral and slightly polar, at codon 3180 of the LAMA5 protein (p.Arg3180Cys). This variant is present in population databases (rs6089728, gnomAD 0.002%). This variant has not been reported in the literature in individuals affected with LAMA5-related conditions. Algorithms developed to predict the effect of missense changes on protein structure and function are either unavailable or do not agree on the potential impact of this missense change (SIFT: "Tolerated"; PolyPhen-2: "Probably Damaging"; Align-GVGD: "Class C0"). In summary, the available evidence is currently insufficient to determine the role of this variant in disease. Therefore, it has been classified as a Variant of Uncertain Significance.

NM_005560.6(LAMA5):c.9538C>T (p.Arg3180Cys)

Gene: LAMA5 (laminin subunit alpha 5; minus strand). Cytogenetic location: 20q13.33.
Variant type: single nucleotide variant.
Coding change: c.9538C>T on transcript NM_005560.6 (MANE Select); coding-DNA position 9538, C replaced by T.
Protein change: p.Arg3180Cys; replaces arginine 3180 with cysteine.
Molecular consequence: missense variant.
Genome position (GRCh38, 1-based): chr20:62,312,017, G>A on the plus strand (C>T on the coding strand, the complement: LAMA5 is on the minus strand). VCF-style: chr20-62312017-G-A. GRCh37 (hg19) VCF-style: chr20-60887073-G-A.
Other names: c.9538C>T (NM_005560.3); short protein forms R3180C.
Identifiers: ClinVar variation 2420749 (VCV002420749.6), dbSNP rs6089728, ClinGen allele CA9940167.
Genomic context (GRCh38, chr20:62,312,017, plus strand): 5'-CACCATCGGCGAAGCCCGCTTGAGTTTTCACTTCAGTCCTCAGGAGCTGTAGGCTCACAC[G>A]GCCCTGCTGCAGGGACACCTGGCATAGCCCATCCTGGGGACGGCAGCCAGGTCAGCCGGC-3'
Protein context (NP_005551.3, residues 3170-3190): GLCQVSLQQG[Arg3180Cys]VSLQLLRTEV